The following is an entry in ClinVar:

ClinVar aggregate classification (germline): Pathogenic (0 of 4 stars; one submission).

Conditions:
Malignant tumor of breast. Also called: Malignant breast neoplasm; Cancer breast. Identifiers: MedGen C0006142, MONDO:0007254. Disease mechanism: loss of function.

Submission:

Department of Pathology and Laboratory Medicine, Sinai Health System
Classification: Pathogenic for Malignant tumor of breast. Review status: no assertion criteria provided. Collection method: clinical testing. Allele origin: unknown. Affected: yes. Study: The Canadian Open Genetics Repository (COGR).
Comment: The BRCA1 p.Thr617Cysfs*3 variant was not identified in the literature nor was it identified in the dbSNP, ClinVar, or LOVD 3.0, databases. The variant was not identified in the following control databases: the Exome Aggregation Consortium (August 8th 2016), or the Genome Aggregation Database (Feb 27, 2017). The c.1848_1861del variant is predicted to cause a frameshift, which alters the protein's amino acid sequence beginning at codon 617 and leads to a premature stop codon at position 619. This alteration is then predicted to result in a truncated or absent protein and loss of function. Loss of function variants of the BRCA1 gene are an established mechanism of disease in BRCA1 associated cancers and is the type of variant expected to cause the disorder. In summary, based on the above information this variant meets our laboratoryâ€šÃ„Ã´s criteria to be classified as pathogenic.

NM_007294.4(BRCA1):c.1848_1861del (p.Thr617fs)

Gene: BRCA1 (BRCA1 DNA repair associated; minus strand). Cytogenetic location: 17q21.31.
Variant type: Deletion.
Coding change: c.1848_1861del on transcript NM_007294.4 (MANE Select); coding-DNA positions 1848 to 1861, 14 bases deleted (TACCAGGCATATTC).
Protein change: p.Thr617fs; shifts the reading frame from threonine 617.
Molecular consequence: frameshift variant. On other transcripts: intron variant (137).
Genome position (GRCh38, 1-based): chr17:43,093,670-43,093,683, GAATATGCCTGGTA deleted on the plus strand (TACCAGGCATATTC on the coding strand, the reverse complement: BRCA1 is on the minus strand); deleting any 14 consecutive bases within chr17:43,093,670-43,093,686 gives the same sequence; the c. name uses the placement nearest the transcript's 3' end. VCF-style (leftmost placement, unchanged base first): chr17-43093669-TGAATATGCCTGGTA-T. GRCh37 (hg19) VCF-style: chr17-41245686-TGAATATGCCTGGTA-T.
Other names: c.1725_1738del, p.Thr576fs (NM_001407939.1, NM_001407919.1, NM_001407937.1 and 19 more transcripts); c.652+1061_652+1074del (NM_001408451.1); c.1638_1651del, p.Thr547fs (NM_001407887.1, NM_001407889.1, NM_001407900.1 and 13 more transcripts); c.643+1061_643+1074del (NM_001408464.1, NM_001408470.1, NM_001408468.1 and 3 more transcripts); c.1722_1735del, p.Thr575fs (NM_001407940.1, NM_001407941.1, NM_001407649.1 and 11 more transcripts); c.523+1061_523+1074del (NM_001408498.1, NM_001408501.1, NM_001408500.1 and 3 more transcripts); c.1635_1648del, p.Thr546fs (NM_001407894.1, NM_001407895.1, NM_001407896.1 and 9 more transcripts); c.646+1061_646+1074del (NM_001408467.1, NM_001408459.1, NM_001408458.1 and 11 more transcripts); and 40 more; short protein forms T570fs, T617fs, T321fs, T449fs, T575fs, T614fs, T489fs, T528fs.
Identifiers: ClinVar variation 1049828 (VCV001049828.2), dbSNP rs2154416271, ClinGen allele CA2499224532.